The following is an entry in ClinVar:

ClinVar aggregate classification (germline): Uncertain significance (1 of 4 stars; one submission).

Allele frequency attached by ClinVar (database versions not stated): gnomAD exomes below 0.00001; gnomAD 0.00001.
gnomAD v4.1: 7 of 1,613,406 alleles (0.00043%); highest among the groups gnomAD compares: Non-Finnish European, 0.00042%; no homozygotes.

Submission:

Mayo Clinic Laboratories, Mayo Clinic
Classification: Uncertain significance. Last evaluated: 2023-04-17. Review status: criteria provided, single submitter. Criteria: ACMG Guidelines, 2015. Collection method: clinical testing. Allele origin: germline. Observed: 1 variant allele.
Comment: PM2_supporting

NM_001267550.2(TTN):c.89663T>C (p.Ile29888Thr)

Genes: TTN (titin; minus strand), TTN-AS1 (TTN antisense RNA 1; plus strand). Cytogenetic location: 2q31.2.
Variant type: single nucleotide variant.
Coding change: c.89663T>C on transcript NM_001267550.2 (MANE Select); coding-DNA position 89663, T replaced by C.
Protein change: p.Ile29888Thr; replaces isoleucine 29888 with threonine.
Molecular consequence: missense variant.
Genome position (GRCh38, 1-based): chr2:178,553,237, A>G on the plus strand (T>C on the coding strand, the complement: TTN is on the minus strand). VCF-style: chr2-178553237-A-G. GRCh37 (hg19) VCF-style: chr2-179417964-A-G.
Other names: p.Ile28247Thr; c.84740T>C, p.Ile28247Thr (NM_001256850.1); c.62468T>C, p.Ile20823Thr (NM_003319.4); c.81959T>C, p.Ile27320Thr (NM_133378.4); c.62843T>C, p.Ile20948Thr (NM_133432.3); c.63044T>C, p.Ile21015Thr (NM_133437.4); short protein forms I20823T, I20948T, I21015T, I27320T, I28247T, I29888T.
Identifiers: ClinVar variation 2682763 (VCV002682763.1), dbSNP rs1700084788, ClinGen allele CA349517032.